The following is an entry in ClinVar:

NM_002691.4(POLD1):c.533G>T (p.Gly178Val)

Gene: POLD1 (DNA polymerase delta 1, catalytic subunit; plus strand). Cytogenetic location: 19q13.33.
Variant type: single nucleotide variant.
Coding change: c.533G>T on transcript NM_002691.4 (MANE Select); coding-DNA position 533, G replaced by T.
Protein change: p.Gly178Val; replaces glycine 178 with valine.
Molecular consequence: missense variant. On other transcripts: non-coding transcript variant (1).
Genome position (GRCh38, 1-based): chr19:50,402,068, G>T. VCF-style: chr19-50402068-G-T. GRCh37 (hg19) VCF-style: chr19-50905325-G-T.
Other names: c.533G>T, p.Gly178Val (NM_001256849.1, NM_001308632.1); short protein forms G178V.
Identifiers: ClinVar variation 1477672 (VCV001477672.8), dbSNP rs2038662890, ClinGen allele CA406973208.

ClinVar aggregate classification (germline): Uncertain significance (1 of 4 stars; one submission).

Conditions:
POLD1-related polyposis and colorectal cancer syndrome (CRCS10). Also called: Colorectal cancer 10; COLORECTAL CANCER, SUSCEPTIBILITY TO, ON CHROMOSOME 19q; Colorectal cancer, susceptibility to, 10. Identifiers: Orphanet 220460, MedGen C2675481, MONDO:0012953, OMIM 612591.

Submission:

Labcorp Genetics (formerly Invitae), Labcorp
Classification: Uncertain significance for POLD1-related polyposis and colorectal cancer syndrome. Last evaluated: 2023-07-10. Review status: criteria provided, single submitter. Criteria: Invitae Variant Classification Sherloc (09022015). Collection method: clinical testing. Allele origin: germline.
Comment: This variant is not present in population databases (gnomAD no frequency). This variant has not been reported in the literature in individuals affected with POLD1-related conditions. ClinVar contains an entry for this variant (Variation ID: 1477672). An algorithm developed to predict the effect of missense changes on protein structure and function (PolyPhen-2) suggests that this variant is likely to be disruptive. In summary, the available evidence is currently insufficient to determine the role of this variant in disease. Therefore, it has been classified as a Variant of Uncertain Significance. This sequence change replaces glycine, which is neutral and non-polar, with valine, which is neutral and non-polar, at codon 178 of the POLD1 protein (p.Gly178Val).